The following is an entry in ClinVar:

ClinVar aggregate classification (germline): Uncertain significance (1 of 4 stars; one submission).

Conditions:
Dyskeratosis congenita. Identifiers: Orphanet 1775, MedGen C0265965, MONDO:0015780.

Allele frequency attached by ClinVar (database versions not stated): gnomAD exomes below 0.00001; ExAC 0.00001.

Submission:

Labcorp Genetics (formerly Invitae), Labcorp
Classification: Uncertain significance for Dyskeratosis congenita. Last evaluated: 2023-05-11. Review status: criteria provided, single submitter. Criteria: Invitae Variant Classification Sherloc (09022015). Collection method: clinical testing. Allele origin: germline.
Comment: In summary, the available evidence is currently insufficient to determine the role of this variant in disease. Therefore, it has been classified as a Variant of Uncertain Significance. An algorithm developed to predict the effect of missense changes on protein structure and function (PolyPhen-2) suggests that this variant is likely to be tolerated. This variant has not been reported in the literature in individuals affected with TINF2-related conditions. This variant is present in population databases (rs777199016, gnomAD 0.0009%). This sequence change replaces glutamine, which is neutral and polar, with glutamic acid, which is acidic and polar, at codon 223 of the TINF2 protein (p.Gln223Glu).

NM_001099274.3(TINF2):c.667C>G (p.Gln223Glu)

Gene: TINF2 (TERF1 interacting nuclear factor 2; minus strand). Cytogenetic location: 14q12.
Variant type: single nucleotide variant.
Coding change: c.667C>G on transcript NM_001099274.3 (MANE Select); coding-DNA position 667, C replaced by G.
Protein change: p.Gln223Glu; replaces glutamine 223 with glutamic acid.
Molecular consequence: missense variant.
Genome position (GRCh38, 1-based): chr14:24,240,813, G>C on the plus strand (C>G on the coding strand, the complement: TINF2 is on the minus strand). VCF-style: chr14-24240813-G-C. GRCh37 (hg19) VCF-style: chr14-24710019-G-C.
Other names: c.562C>G, p.Gln188Glu (NM_001363668.2); c.667C>G, p.Gln223Glu (NM_012461.3); short protein forms Q223E, Q188E.
Identifiers: ClinVar variation 2772246 (VCV002772246.3), dbSNP rs777199016, ClinGen allele CA7130585.
Genomic context (GRCh38, chr14:24,240,813, plus strand): 5'-CCTGAGGAAGATGTGTGCCAGGCTTGGCTTTTGGCAGGGGATTGTGGAGTGCTAGTCTTT[G>C]TTGCTGAGGAGGATTCTGTTCCATGGGCTCAGCCAGGTTCACTGAGTCAGTAACAGAGCA-3'
Protein context (NP_001092744.1, residues 213-233): EPMEQNPPQQ[Gln223Glu]RLALHNPLPK